The following is an entry in ClinVar:

ClinVar aggregate classification (germline): Uncertain significance (1 of 4 stars; one submission).

Allele frequency attached by ClinVar (database versions not stated): ExAC 0.00002.
gnomAD v4.1: 2 of 1,613,472 alleles (0.00012%); highest among the groups gnomAD compares: African/African-American, 0.0027%; no homozygotes.

Submission:

Labcorp Genetics (formerly Invitae), Labcorp
Classification: Uncertain significance. Last evaluated: 2023-08-04. Review status: criteria provided, single submitter. Criteria: Invitae Variant Classification Sherloc (09022015). Collection method: clinical testing. Allele origin: germline.
Comment: In summary, the available evidence is currently insufficient to determine the role of this variant in disease. Therefore, it has been classified as a Variant of Uncertain Significance. An algorithm developed to predict the effect of missense changes on protein structure and function (PolyPhen-2) suggests that this variant is likely to be disruptive. ClinVar contains an entry for this variant (Variation ID: 1405709). This variant has not been reported in the literature in individuals affected with LCA5-related conditions. This variant is present in population databases (rs749127744, gnomAD 0.008%). This sequence change replaces aspartic acid, which is acidic and polar, with alanine, which is neutral and non-polar, at codon 689 of the LCA5 protein (p.Asp689Ala).

NM_001122769.3(LCA5):c.2066A>C (p.Asp689Ala)

Gene: LCA5 (lebercilin LCA5; minus strand). Cytogenetic location: 6q14.1.
Variant type: single nucleotide variant.
Coding change: c.2066A>C on transcript NM_001122769.3 (MANE Select); coding-DNA position 2066, A replaced by C.
Protein change: p.Asp689Ala; replaces aspartic acid 689 with alanine.
Molecular consequence: missense variant.
Genome position (GRCh38, 1-based): chr6:79,487,032, T>G on the plus strand (A>C on the coding strand, the complement: LCA5 is on the minus strand). VCF-style: chr6-79487032-T-G. GRCh37 (hg19) VCF-style: chr6-80196749-T-G.
Other names: c.2066A>C, p.Asp689Ala (NM_181714.4); short protein forms D689A.
Identifiers: ClinVar variation 1405709 (VCV001405709.6), dbSNP rs749127744, ClinGen allele CA3900729.